The following is an entry in ClinVar:

NM_006846.4(SPINK5):c.210-2A>C

Gene: SPINK5 (serine peptidase inhibitor Kazal type 5; plus strand). Cytogenetic location: 5q32.
Variant type: single nucleotide variant.
Coding change: c.210-2A>C on transcript NM_006846.4 (MANE Select); the canonical splice acceptor site of the intron before coding-DNA position 210, A replaced by C.
Molecular consequence: splice acceptor variant.
Genome position (GRCh38, 1-based): chr5:148,072,146, A>C. VCF-style: chr5-148072146-A-C. GRCh37 (hg19) VCF-style: chr5-147451709-A-C.
Other names: c.210-2A>C (NM_001127698.2, NM_001127699.2).
Identifiers: ClinVar variation 2851256 (VCV002851256.3), dbSNP rs1219497521, ClinGen allele CA361888740.

ClinVar aggregate classification (germline): Likely pathogenic (1 of 4 stars; one submission).

Conditions:
Ichthyosis linearis circumflexa. Identifiers: MedGen C0265962, MONDO:0043106, HP:0025810.

Allele frequency attached by ClinVar (database versions not stated): TOPMed below 0.00001; gnomAD 0.00001.
gnomAD v4.1: 7 of 1,611,484 alleles (0.00043%); highest among the groups gnomAD compares: African/African-American, 0.0013%; no homozygotes.

Submission:

Labcorp Genetics (formerly Invitae), Labcorp
Classification: Likely pathogenic for Ichthyosis linearis circumflexa. Last evaluated: 2023-03-31. Review status: criteria provided, single submitter. Criteria: Invitae Variant Classification Sherloc (09022015). Collection method: clinical testing. Allele origin: germline.
Comment: In summary, the currently available evidence indicates that the variant is pathogenic, but additional data are needed to prove that conclusively. Therefore, this variant has been classified as Likely Pathogenic. Algorithms developed to predict the effect of sequence changes on RNA splicing suggest that this variant may disrupt the consensus splice site. This variant has not been reported in the literature in individuals affected with SPINK5-related conditions. This variant is present in population databases (no rsID available, gnomAD 0.0009%). This sequence change affects an acceptor splice site in intron 3 of the SPINK5 gene. It is expected to disrupt RNA splicing. Variants that disrupt the donor or acceptor splice site typically lead to a loss of protein function (PMID: 16199547), and loss-of-function variants in SPINK5 are known to be pathogenic (PMID: 11511292, 11841556).

Literature cited by the submitters: PubMed 16199547; PubMed 11511292; PubMed 11841556.